The following is an entry in ClinVar:

ClinVar aggregate classification (germline): Uncertain significance (1 of 4 stars; one submission).

Conditions:
Primary ciliary dyskinesia. Also called: Ciliary dyskinesia. Identifiers: Orphanet 244, MedGen C0008780, MONDO:0016575, HP:0012265.

Allele frequency attached by ClinVar (database versions not stated): gnomAD exomes 0.00001.
gnomAD v4.1: 17 of 1,477,256 alleles (0.0012%); highest among the groups gnomAD compares: African/African-American, 0.023%; no homozygotes.

Submission:

Labcorp Genetics (formerly Invitae), Labcorp
Classification: Uncertain significance for Primary ciliary dyskinesia. Last evaluated: 2022-07-06. Review status: criteria provided, single submitter. Criteria: Invitae Variant Classification Sherloc (09022015). Collection method: clinical testing. Allele origin: germline.
Comment: This sequence change replaces valine, which is neutral and non-polar, with leucine, which is neutral and non-polar, at codon 238 of the DNAAF3 protein (p.Val238Leu). In summary, the available evidence is currently insufficient to determine the role of this variant in disease. Therefore, it has been classified as a Variant of Uncertain Significance. Algorithms developed to predict the effect of missense changes on protein structure and function are either unavailable or do not agree on the potential impact of this missense change (SIFT: "Tolerated"; PolyPhen-2: "Possibly Damaging"; Align-GVGD: "Class C0"). ClinVar contains an entry for this variant (Variation ID: 1415228). This variant has not been reported in the literature in individuals affected with DNAAF3-related conditions. The frequency data for this variant in the population databases is considered unreliable, as metrics indicate poor data quality at this position in the gnomAD database.

NM_001256715.2(DNAAF3):c.508G>T (p.Val170Leu)

Genes: DNAAF3 (dynein axonemal assembly factor 3; minus strand), DNAAF3-AS1 (DNAAF3 antisense RNA 1; plus strand). Cytogenetic location: 19q13.42.
Variant type: single nucleotide variant.
Coding change: c.508G>T on transcript NM_001256715.2 (MANE Select); coding-DNA position 508, G replaced by T.
Protein change: p.Val170Leu; replaces valine 170 with leucine.
Molecular consequence: missense variant.
Genome position (GRCh38, 1-based): chr19:55,161,798, C>A on the plus strand (G>T on the coding strand, the complement: DNAAF3 is on the minus strand). VCF-style: chr19-55161798-C-A. GRCh37 (hg19) VCF-style: chr19-55673166-C-A.
Other names: c.712G>T, p.Val238Leu (NM_001256714.1); c.346G>T, p.Val116Leu (NM_001256716.2); c.649G>T, p.Val217Leu (NM_178837.4); short protein forms V116L, V170L, V217L, V238L.
Identifiers: ClinVar variation 1415228 (VCV001415228.6), dbSNP rs761802279, ClinGen allele CA310153995.